The following is an entry in ClinVar:

NM_001114753.3(ENG):c.1730C>G (p.Pro577Arg)

Genes: ENG (endoglin; minus strand), LOC102723566 (uncharacterized LOC102723566; plus strand). Cytogenetic location: 9q34.11.
Variant type: single nucleotide variant.
Coding change: c.1730C>G on transcript NM_001114753.3 (MANE Select); coding-DNA position 1730, C replaced by G.
Protein change: p.Pro577Arg; replaces proline 577 with arginine.
Molecular consequence: missense variant. On other transcripts: non-coding transcript variant (1).
Genome position (GRCh38, 1-based): chr9:127,817,160, G>C on the plus strand (C>G on the coding strand, the complement: ENG is on the minus strand). VCF-style: chr9-127817160-G-C. GRCh37 (hg19) VCF-style: chr9-130579439-G-C.
Other names: c.1730C>G, p.Pro577Arg (NM_000118.4); c.1184C>G, p.Pro395Arg (NM_001278138.2); c.1730C>G (NM_001114753.1); short protein forms P395R, P577R.
Identifiers: ClinVar variation 1056407 (VCV001056407.11), dbSNP rs759341808, ClinGen allele CA5252667.

ClinVar aggregate classification (germline): Conflicting classifications of pathogenicity. Review status: criteria provided, conflicting classifications (1 of 4 stars). 3 submissions from 3 submitters: Uncertain significance (2); Likely benign (1). Last evaluated 2026-02-15.

Conditions:
Hereditary hemorrhagic telangiectasia (HHT). Also called: Osler hemorrhagic telangiectasia syndrome; ORW DISEASE; Osler Weber Rendu syndrome; OSLER-RENDU-WEBER DISEASE. Identifiers: Orphanet 774, MedGen C0039445, MONDO:0019180. Disease mechanism: loss of function.
Cardiovascular phenotype. Identifiers: MedGen CN230736.
Telangiectasia, hereditary hemorrhagic, type 1 (HHT1). Also called: Osler Weber Rendu syndrome type 1; ENG-Related Hereditary Hemorrhagic Telangiectasia. Identifiers: Orphanet 774, MedGen C4551861, MONDO:0008535, OMIM 187300. Disease mechanism: loss of function.

Allele frequency attached by ClinVar (database versions not stated): gnomAD exomes 0.00001 and 0.00002; TOPMed 0.00001; ExAC 0.00002; gnomAD 0.00001.
gnomAD v4.1: 7 of 1,614,048 alleles (0.00043%); highest among the groups gnomAD compares: Admixed American, 0.0033%; no homozygotes.

Submissions (3):

Ambry Genetics
Classification: Likely benign for Cardiovascular phenotype. Last evaluated: 2026-02-15. Review status: criteria provided, single submitter. Criteria: Ambry Variant Classification Scheme 2023. Collection method: clinical testing. Allele origin: germline.

Labcorp Genetics (formerly Invitae), Labcorp
Classification: Uncertain significance for Hereditary hemorrhagic telangiectasia. Last evaluated: 2023-10-23. Review status: criteria provided, single submitter. Criteria: Invitae Variant Classification Sherloc (09022015). Collection method: clinical testing. Allele origin: germline.
Comment: This sequence change replaces proline, which is neutral and non-polar, with arginine, which is basic and polar, at codon 577 of the ENG protein (p.Pro577Arg). This variant is present in population databases (rs759341808, gnomAD 0.01%). This variant has not been reported in the literature in individuals affected with ENG-related conditions. ClinVar contains an entry for this variant (Variation ID: 1056407). Advanced modeling of protein sequence and biophysical properties (such as structural, functional, and spatial information, amino acid conservation, physicochemical variation, residue mobility, and thermodynamic stability) has been performed at Invitae for this missense variant, however the output from this modeling did not meet the statistical confidence thresholds required to predict the impact of this variant on ENG protein function. In summary, the available evidence is currently insufficient to determine the role of this variant in disease. Therefore, it has been classified as a Variant of Uncertain Significance.

Fulgent Genetics
Classification: Uncertain significance for Telangiectasia, hereditary hemorrhagic, type 1. Last evaluated: 2022-04-14. Review status: criteria provided, single submitter. Criteria: ACMG Guidelines, 2015. Collection method: clinical testing. Allele origin: unknown.